The following is an entry in ClinVar:

ClinVar aggregate classification (germline): Benign (1 of 4 stars; one submission).

Conditions:
Generalized juvenile polyposis/juvenile polyposis coli. Also called: Juvenile polyposis coli. Identifiers: Orphanet 329971, MedGen C1868081, MONDO:0008276.

Allele frequency attached by ClinVar (database versions not stated): gnomAD exomes 0.00036; gnomAD 0.00127 and 0.00129; TOPMed 0.00131; 1000 Genomes Project 0.00260; 1000 Genomes Project 30x 0.00312.

Submission:

Illumina Laboratory Services, Illumina
Classification: Benign for Juvenile polyposis syndrome. Last evaluated: 2018-01-12. Review status: criteria provided, single submitter. Criteria: ICSL Variant Classification Criteria 13 December 2019. Collection method: clinical testing. Allele origin: germline.
Comment: This variant was observed in the ICSL laboratory as part of a predisposition screen in an ostensibly healthy population. It had not been previously curated by ICSL or reported in the Human Gene Mutation Database (HGMD: prior to June 1st, 2018), and was therefore a candidate for classification through an automated scoring system. Utilizing variant allele frequency, disease prevalence and penetrance estimates, and inheritance mode, an automated score was calculated to assess if this variant is too frequent to cause the disease. Based on the score and internal cut-off values, a variant classified as benign is not then subjected to further curation. The score for this variant resulted in a classification of benign for this disease.

NM_004329.3(BMPR1A):c.*422C>T

Gene: BMPR1A (bone morphogenetic protein receptor type 1A; plus strand). Cytogenetic location: 10q23.2.
Variant type: single nucleotide variant.
Coding change: c.*422C>T on transcript NM_004329.3 (MANE Select); 422 bases downstream of the stop codon, C replaced by T.
Molecular consequence: 3 prime UTR variant.
Genome position (GRCh38, 1-based): chr10:86,924,141, C>T. VCF-style: chr10-86924141-C-T. GRCh37 (hg19) VCF-style: chr10-88683898-C-T.
Identifiers: ClinVar variation 301359 (VCV000301359.5), dbSNP rs186843872, ClinGen allele CA10629331.